The following is an entry in ClinVar:

NM_152643.8(KNDC1):c.691G>A (p.Gly231Arg)

Gene: KNDC1 (kinase non-catalytic C-lobe domain containing 1; plus strand). Cytogenetic location: 10q26.3.
Variant type: single nucleotide variant.
Coding change: c.691G>A on transcript NM_152643.8 (MANE Select); coding-DNA position 691, G replaced by A.
Protein change: p.Gly231Arg; replaces glycine 231 with arginine.
Molecular consequence: missense variant.
Genome position (GRCh38, 1-based): chr10:133,186,039, G>A. VCF-style: chr10-133186039-G-A. GRCh37 (hg19) VCF-style: chr10-134999543-G-A.
Other names: short protein forms G231R.
Identifiers: ClinVar variation 3388170 (VCV003388170.14).

ClinVar aggregate classification (germline): Benign (1 of 4 stars; one submission).

gnomAD v4.1: 2,048 of 1,596,774 alleles (0.13%); highest among the groups gnomAD compares: Middle Eastern, 0.051%; 43 homozygotes.

Submission:

CeGaT Center for Human Genetics Tuebingen
Classification: Benign. Last evaluated: 2024-11-01. Review status: criteria provided, single submitter. Criteria: CeGaT Center For Human Genetics Tuebingen Variant Classification Criteria Version 2. Collection method: clinical testing. Allele origin: germline. Affected: yes. Observed: 1 variant allele.
Comment: KNDC1: BS1, BS2